The following is an entry in ClinVar:

ClinVar aggregate classification (germline): Likely benign (1 of 4 stars; one submission).

Allele frequency attached by ClinVar (database versions not stated): 1000 Genomes Project 30x 0.00094; 1000 Genomes Project 0.00120; TOPMed 0.00307; gnomAD 0.00375 and 0.00389; gnomAD exomes 0.00498.
gnomAD v4.1: 6,007 of 1,243,960 alleles (0.48%); highest among the groups gnomAD compares: Non-Finnish European, 0.57%; 25 homozygotes.

Submission:

GeneDx
Classification: Likely benign. Last evaluated: 2018-06-18. Review status: criteria provided, single submitter. Criteria: GeneDx Variant Classification (06012015). Collection method: clinical testing. Allele origin: germline. Affected: yes.
Comment: This variant is considered likely benign or benign based on one or more of the following criteria: it is a conservative change, it occurs at a poorly conserved position in the protein, it is predicted to be benign by multiple in silico algorithms, and/or has population frequency not consistent with disease.

NM_006231.4(POLE):c.5812-95A>G

Gene: POLE (DNA polymerase epsilon, catalytic subunit; minus strand). Cytogenetic location: 12q24.33.
Variant type: single nucleotide variant.
Coding change: c.5812-95A>G on transcript NM_006231.4 (MANE Select); 95 bases into the intron before coding-DNA position 5812, A replaced by G.
Molecular consequence: intron variant.
Genome position (GRCh38, 1-based): chr12:132,634,473, T>C on the plus strand (A>G on the coding strand, the complement: POLE is on the minus strand). VCF-style: chr12-132634473-T-C. GRCh37 (hg19) VCF-style: chr12-133211059-T-C.
Identifiers: ClinVar variation 676647 (VCV000676647.1), dbSNP rs5745004, ClinGen allele CA246295611.